The following is an entry in ClinVar:

NM_001110556.2(FLNA):c.2773ATC[1] (p.Ile926del)

Gene: FLNA (filamin A; minus strand). Cytogenetic location: Xq28.
Variant type: Microsatellite.
Coding change: c.2773ATC[1] on transcript NM_001110556.2 (MANE Select); one copy of the 3-base unit ATC starting at c.2773; the reference has two copies in a row; one copy, 3 bases deleted.
Protein change: p.Ile926del; deletes isoleucine 926.
Molecular consequence: inframe deletion.
Genome position (GRCh38, 1-based): chrX:154,362,027-154,362,029, GAT deleted on the plus strand (ATC on the coding strand, the reverse complement: FLNA is on the minus strand); deleting any 3 consecutive bases within chrX:154,362,027-154,362,033 gives the same sequence; the position shown is the placement nearest the transcript's 3' end. VCF-style (leftmost placement, unchanged base first): chrX-154362026-CGAT-C. GRCh37 (hg19) VCF-style: chrX-153590394-CGAT-C.
Other names: c.2773ATC[1], p.Ile926del (NM_001456.4); short protein forms I926del.
Identifiers: ClinVar variation 3759219 (VCV003759219.2).
Genomic context (GRCh38, chrX:154,362,026, plus strand): 5'-AGGGTGTGGCTACCTGCTGGACAGGCGTGTACTTGACTGTGTAGGTGTTGTCATGGTGGT[CGAT>C]GATGTCCACATCTCGCACTGCATCCCCCTTGGTGAGTCCTGAGAACTGGACGTCCAGCTT-3'

ClinVar aggregate classification (germline): Uncertain significance (1 of 4 stars; one submission).

Conditions:
Melnick-Needles syndrome (MNS). Also called: MELNICK-NEEDLES OSTEODYSPLASTY; OSTEODYSPLASTY OF MELNICK AND NEEDLES; Melnick-Needles Syndrome (FLNA-MNS). Identifiers: Orphanet 2484, MedGen C0025237, MONDO:0010650, OMIM 309350.
Frontometaphyseal dysplasia (FMD1). Identifiers: Orphanet 1826, MedGen C0265293, MONDO:0015942.
Heterotopia, periventricular, X-linked dominant (PVNH1). Also called: PERIVENTRICULAR NODULAR HETEROTOPIA 1; X-linked periventricular heterotopia; PERIVENTRICULAR NODULAR HETEROTOPIA 4; HETEROTOPIA, PERIVENTRICULAR, 1. Identifiers: Orphanet 2149, Orphanet 82004, MedGen C1848213, MONDO:0010233, OMIM 300049.
Oto-palato-digital syndrome, type II (OPD2). Also called: FACIOPALATOOSSEOUS SYNDROME; OPD II SYNDROME; Otopalatodigital Syndrome, Type II; Otopalatodigital Syndrome Type 2 (FLNA-OPD2). Identifiers: Orphanet 669, Orphanet 90652, MedGen C1844696, MONDO:0010571, OMIM 304120.

Submission:

Labcorp Genetics (formerly Invitae), Labcorp
Classification: Uncertain significance for Oto-palato-digital syndrome, type II; Heterotopia, periventricular, X-linked dominant; Frontometaphyseal dysplasia; Melnick-Needles syndrome. Last evaluated: 2024-11-02. Review status: criteria provided, single submitter. Criteria: Invitae Variant Classification Sherloc (09022015). Collection method: clinical testing. Allele origin: germline.
Comment: This variant, c.2776_2778del, results in the deletion of 1 amino acid(s) of the FLNA protein (p.Ile926del), but otherwise preserves the integrity of the reading frame. This variant is not present in population databases (gnomAD no frequency). This variant has not been reported in the literature in individuals affected with FLNA-related conditions. Experimental studies and prediction algorithms are not available or were not evaluated, and the functional significance of this variant is currently unknown. In summary, the available evidence is currently insufficient to determine the role of this variant in disease. Therefore, it has been classified as a Variant of Uncertain Significance.